The following is an entry in ClinVar:

ClinVar aggregate classification (germline): Conflicting classifications of pathogenicity. Review status: criteria provided, conflicting classifications (1 of 4 stars). 2 submissions from 2 submitters: Likely pathogenic (1); Uncertain significance (1). Last evaluated 2024-10-02.

Conditions:
Hypertrophic cardiomyopathy. Also called: HYPERTROPHIC MYOCARDIOPATHY. Identifiers: Orphanet 217569, MedGen C0007194, MeSH D002312, MONDO:0005045, HP:0001639.
Amyloidosis, hereditary systemic 1 (AMYLD1). Also called: AMYLOID CARDIOMYOPATHY; Hereditary oculoleptomeningeal amyloid angiopathy; Familial Transthyretin Amyloidosis; Isolated Cardiac Amyloidosis; Amyloid Cardiomyopathy, Transthyretin-related; Familial amyloid polyneuropathy. Identifiers: Orphanet 85447, Orphanet 85451, MedGen C2751492, MONDO:0971004, OMIM 105210.

Allele frequency attached by ClinVar (database versions not stated): gnomAD exomes below 0.00001; TOPMed below 0.00001; ExAC 0.00001.
gnomAD v4.1: 4 of 1,614,144 alleles (0.00025%); highest among the groups gnomAD compares: Non-Finnish European, 0.00025%; no homozygotes.

Submissions (2):

Labcorp Genetics (formerly Invitae), Labcorp
Classification: Likely pathogenic for Amyloidosis, hereditary systemic 1. Last evaluated: 2024-10-02. Review status: criteria provided, single submitter. Criteria: Invitae Variant Classification Sherloc (09022015). Collection method: clinical testing. Allele origin: germline.
Comment: This sequence change replaces serine, which is neutral and polar, with glycine, which is neutral and non-polar, at codon 70 of the TTR protein (p.Ser70Gly). This variant is present in population databases (rs386134269, gnomAD 0.0009%). This variant has not been reported in the literature in individuals affected with TTR-related conditions. ClinVar contains an entry for this variant (Variation ID: 2169601). Invitae Evidence Modeling of protein sequence and biophysical properties (such as structural, functional, and spatial information, amino acid conservation, physicochemical variation, residue mobility, and thermodynamic stability) indicates that this missense variant is expected to disrupt TTR protein function with a positive predictive value of 95%. This variant disrupts the p.Ser70 amino acid residue in TTR. Other variant(s) that disrupt this residue have been determined to be pathogenic (PMID: 22745357, 22928869, 23317988, 23713495, 24053266). This suggests that this residue is clinically significant, and that variants that disrupt this residue are likely to be disease-causing. In summary, the currently available evidence indicates that the variant is pathogenic, but additional data are needed to prove that conclusively. Therefore, this variant has been classified as Likely Pathogenic.

Cambridge Genomics Laboratory, East Genomic Laboratory Hub, NHS Genomic Medicine Service
Classification: Uncertain significance for Hypertrophic cardiomyopathy. Last evaluated: 2019-12-16. Review status: criteria provided, single submitter. Criteria: ACGS Best Practice Guidelines for Variant Classification in Rare Disease 2020. Collection method: clinical testing. Allele origin: germline. Affected: yes. Observed: 1 variant allele.

Literature cited by the submitters: PubMed 22745357 (cited by Labcorp Genetics (formerly Invitae), Labcorp); PubMed 22928869 (cited by Labcorp Genetics (formerly Invitae), Labcorp); PubMed 23317988 (cited by Labcorp Genetics (formerly Invitae), Labcorp); PubMed 23713495 (cited by Labcorp Genetics (formerly Invitae), Labcorp); PubMed 24053266 (cited by Labcorp Genetics (formerly Invitae), Labcorp).

NM_000371.4(TTR):c.208A>G (p.Ser70Gly)

Gene: TTR (transthyretin; plus strand). Cytogenetic location: 18q12.1.
Variant type: single nucleotide variant.
Coding change: c.208A>G on transcript NM_000371.4 (MANE Select); coding-DNA position 208, A replaced by G.
Protein change: p.Ser70Gly; replaces serine 70 with glycine.
Molecular consequence: missense variant.
Genome position (GRCh38, 1-based): chr18:31,595,127, A>G. VCF-style: chr18-31595127-A-G. GRCh37 (hg19) VCF-style: chr18-29175090-A-G.
Other names: short protein forms S70G.
Identifiers: ClinVar variation 2169601 (VCV002169601.5), dbSNP rs386134269, ClinGen allele CA8928439.
Genomic context (GRCh38, chr18:31,595,127, plus strand): 5'-ATGCCATTTGTTTCCTCCATGCGTAACTTAATCCAGACTTTCACACCTTATAGGAAAACC[A>G]GTGAGTCTGGAGAGCTGCATGGGCTCACAACTGAGGAGGAATTTGTAGAAGGGATATACA-3'
Protein context (NP_000362.1, residues 60-80): TWEPFASGKT[Ser70Gly]ESGELHGLTT